The following is an entry in ClinVar:

NM_001113378.2(FANCI):c.1956G>C (p.Leu652=)

Gene: FANCI (FA complementation group I; plus strand). Cytogenetic location: 15q26.1.
Variant type: single nucleotide variant.
Coding change: c.1956G>C on transcript NM_001113378.2 (MANE Select); coding-DNA position 1956, G replaced by C.
Protein change: p.Leu652=; no amino-acid change (leucine 652 retained).
Molecular consequence: synonymous variant.
Genome position (GRCh38, 1-based): chr15:89,291,678, G>C. VCF-style: chr15-89291678-G-C. GRCh37 (hg19) VCF-style: chr15-89834909-G-C.
Other names: c.1677G>C, p.Leu559= (NM_001376910.1); c.1956G>C, p.Leu652= (NM_001376911.1, NM_018193.3).
Identifiers: ClinVar variation 872783 (VCV000872783.44), dbSNP rs770437879, ClinGen allele CA7723226.

ClinVar aggregate classification (germline): Likely benign. Review status: criteria provided, multiple submitters, no conflicts (2 of 4 stars). 2 submissions from 2 submitters: Likely benign (2). Last evaluated 2023-11-05.

Conditions:
Fanconi anemia (FA). Also called: Fanconi's anemia. Identifiers: Orphanet 84, MedGen C0015625, MeSH D005199, MONDO:0019391.

Allele frequency attached by ClinVar (database versions not stated): gnomAD exomes below 0.00001; TOPMed below 0.00001; ExAC 0.00001; gnomAD 0.00001.
gnomAD v4.1: 4 of 1,613,602 alleles (0.00025%); highest among the groups gnomAD compares: Non-Finnish European, 0.00025%; no homozygotes.

Submissions (2):

Labcorp Genetics (formerly Invitae), Labcorp
Classification: Likely benign for Fanconi anemia. Last evaluated: 2023-11-05. Review status: criteria provided, single submitter. Criteria: Invitae Variant Classification Sherloc (09022015). Collection method: clinical testing. Allele origin: germline.

CeGaT Center for Human Genetics Tuebingen
Classification: Likely benign. Last evaluated: 2022-05-01. Review status: criteria provided, single submitter. Criteria: CeGaT Center For Human Genetics Tuebingen Variant Classification Criteria Version 2. Collection method: clinical testing. Allele origin: germline. Affected: yes. Observed: 3 variant alleles.
Comment: FANCI: BP4, BP7